The following is an entry in ClinVar:

ClinVar aggregate classification (germline): Uncertain significance (1 of 4 stars; one submission).

Submission:

GeneDx
Classification: Uncertain significance. Last evaluated: 2024-07-23. Review status: criteria provided, single submitter. Criteria: GeneDx Variant Classification Process June 2021. Collection method: clinical testing. Allele origin: germline.
Comment: Not observed at significant frequency in large population cohorts (gnomAD); In silico analysis supports that this missense variant has a deleterious effect on protein structure/function; Has not been previously published as pathogenic or benign to our knowledge

NM_006908.5(RAC1):c.73A>T (p.Thr25Ser)

Gene: RAC1 (Rac family small GTPase 1; plus strand). Cytogenetic location: 7p22.1.
Variant type: single nucleotide variant.
Coding change: c.73A>T on transcript NM_006908.5 (MANE Select); coding-DNA position 73, A replaced by T.
Protein change: p.Thr25Ser; replaces threonine 25 with serine.
Molecular consequence: missense variant.
Genome position (GRCh38, 1-based): chr7:6,387,249, A>T. VCF-style: chr7-6387249-A-T. GRCh37 (hg19) VCF-style: chr7-6426880-A-T.
Other names: c.73A>T, p.Thr25Ser (NM_018890.4); short protein forms T25S.
Identifiers: ClinVar variation 1801095 (VCV001801095.2), dbSNP rs2115193140, ClinGen allele CA366760032.
Genomic context (GRCh38, chr7:6,387,249, plus strand): 5'-ACCTTTTTTCTCTTTCTCTTTAGAGCTGTAGGTAAAACTTGCCTACTGATCAGTTACACA[A>T]CCAATGCATTTCCTGGAGAATATATCCCTACTGTGTAAGTATCTTAAATTGGGAATTAAC-3'
Protein context (NP_008839.2, residues 15-35): GKTCLLISYT[Thr25Ser]NAFPGEYIPT